The following is an entry in ClinVar:

NM_001292063.2(OTOG):c.4950C>A (p.Ser1650=)

Gene: OTOG (otogelin; plus strand). Cytogenetic location: 11p15.1.
Variant type: single nucleotide variant.
Coding change: c.4950C>A on transcript NM_001292063.2 (MANE Select); coding-DNA position 4950, C replaced by A.
Protein change: p.Ser1650=; no amino-acid change (serine 1650 retained).
Molecular consequence: synonymous variant.
Genome position (GRCh38, 1-based): chr11:17,610,250, C>A. VCF-style: chr11-17610250-C-A. GRCh37 (hg19) VCF-style: chr11-17631797-C-A.
Other names: c.4986C>A, p.Ser1662= (NM_001277269.2); c.4986C>A (NM_001277269.1).
Identifiers: ClinVar variation 1572710 (VCV001572710.10), dbSNP rs534824946, ClinGen allele CA5905882.

ClinVar aggregate classification (germline): Likely benign. Review status: criteria provided, multiple submitters, no conflicts (2 of 4 stars). 3 submissions from 3 submitters: Likely benign (3). Last evaluated 2026-04-11.

Conditions:
OTOG-related disorder. Also called: OTOG-related condition.

Allele frequency attached by ClinVar (database versions not stated): gnomAD exomes 0.00007 and 0.00004; 1000 Genomes Project 30x 0.00016; ExAC 0.00018; 1000 Genomes Project 0.00020; TOPMed 0.00031; gnomAD 0.00042 and 0.00044.
gnomAD v4.1: 123 of 1,550,568 alleles (0.0079%); highest among the groups gnomAD compares: African/African-American, 0.15%; no homozygotes.

Submissions (3):

PreventionGenetics, part of Exact Sciences
Classification: Likely benign for OTOG-related condition. Last evaluated: 2026-04-11. Review status: criteria provided, single submitter. Criteria: ACMG Guidelines, 2015. Collection method: clinical testing. Allele origin: germline.
Comment: This variant is classified as likely benign based on ACMG/AMP sequence variant interpretation guidelines (Richards et al. 2015 PMID: 25741868, with internal and published modifications).

Labcorp Genetics (formerly Invitae), Labcorp
Classification: Likely benign. Last evaluated: 2026-01-17. Review status: criteria provided, single submitter. Criteria: Invitae Variant Classification Sherloc (09022015). Collection method: clinical testing. Allele origin: germline.

Blueprint Genetics
Classification: Likely benign. Last evaluated: 2021-09-20. Review status: criteria provided, single submitter. Criteria: ACMG Guidelines, 2015. Collection method: clinical testing. Allele origin: germline.